The following is an entry in ClinVar:

ClinVar aggregate classification (germline): Conflicting classifications of pathogenicity. Review status: criteria provided, conflicting classifications (1 of 4 stars). 4 submissions from 4 submitters: Uncertain significance (1); Likely benign (3). Last evaluated 2026-08-13.

Conditions:
JPH2-related disorder. Also called: JPH2-related condition.
Hypertrophic cardiomyopathy. Also called: HYPERTROPHIC MYOCARDIOPATHY. Identifiers: Orphanet 217569, MedGen C0007194, MeSH D002312, MONDO:0005045, HP:0001639.
Cardiovascular phenotype. Identifiers: MedGen CN230736.

Allele frequency attached by ClinVar (database versions not stated): gnomAD exomes 0.00004 and 0.00012; gnomAD 0.00006; TOPMed 0.00007; ExAC 0.00018.
gnomAD v4.1: 68 of 1,573,662 alleles (0.0043%); highest among the groups gnomAD compares: Admixed American, 0.025%; no homozygotes.

Submissions (4):

PreventionGenetics, part of Exact Sciences
Classification: Uncertain significance for JPH2-related condition. Last evaluated: 2026-08-13. Review status: criteria provided, single submitter. Criteria: ACMG Guidelines, 2015. Collection method: clinical testing. Allele origin: germline.
Comment: The JPH2 c.1771G>A variant is predicted to result in the amino acid substitution p.Gly591Arg. To our knowledge, this variant has not been reported in the literature. This variant is reported in 0.12% of alleles in individuals of Ashkenazi Jewish descent in gnomAD and is interpreted as likely benign in ClinVar. Although we suspect that this variant may be benign, at this time, the clinical significance of this variant is uncertain due to the absence of conclusive functional and genetic evidence.

Labcorp Genetics (formerly Invitae), Labcorp
Classification: Likely benign for Hypertrophic cardiomyopathy. Last evaluated: 2025-11-09. Review status: criteria provided, single submitter. Criteria: Invitae Variant Classification Sherloc (09022015). Collection method: clinical testing. Allele origin: germline.

Ambry Genetics
Classification: Likely benign for Cardiovascular phenotype. Last evaluated: 2021-11-04. Review status: criteria provided, single submitter. Criteria: Ambry Variant Classification Scheme 2023. Collection method: clinical testing. Allele origin: germline.

GeneDx
Classification: Likely benign. Last evaluated: 2020-11-25. Review status: criteria provided, single submitter. Criteria: GeneDx Variant Classification Process June 2021. Collection method: clinical testing. Allele origin: germline. Affected: yes.

NM_020433.5(JPH2):c.1771G>A (p.Gly591Arg)

Gene: JPH2 (junctophilin 2; minus strand). Cytogenetic location: 20q13.12.
Variant type: single nucleotide variant.
Coding change: c.1771G>A on transcript NM_020433.5 (MANE Select); coding-DNA position 1771, G replaced by A.
Protein change: p.Gly591Arg; replaces glycine 591 with arginine.
Molecular consequence: missense variant.
Genome position (GRCh38, 1-based): chr20:44,115,904, C>T on the plus strand (G>A on the coding strand, the complement: JPH2 is on the minus strand). VCF-style: chr20-44115904-C-T. GRCh37 (hg19) VCF-style: chr20-42744544-C-T.
Other names: short protein forms G591R.
Identifiers: ClinVar variation 513623 (VCV000513623.18), dbSNP rs751914931, ClinGen allele CA9868616.